The following is an entry in ClinVar:

NM_001374828.1(ARID1B):c.1075_1090dup (p.Asp364fs)

Gene: ARID1B (AT-rich interaction domain 1B; plus strand). Cytogenetic location: 6q25.3.
Variant type: Duplication.
Coding change: c.1075_1090dup on transcript NM_001374828.1 (MANE Select); coding-DNA positions 1075 to 1090, 16 bases duplicated (GCCCCCGGCAGCATGG).
Protein change: p.Asp364fs; shifts the reading frame from aspartic acid 364.
Molecular consequence: frameshift variant.
Genome position (GRCh38, 1-based): chr6:156,778,755-156,778,770, GCCCCCGGCAGCATGG duplicated; duplicating any 16 consecutive bases within chr6:156,778,753-156,778,770 gives the same sequence; the c. name uses the placement nearest the transcript's 3' end. VCF-style (leftmost placement, unchanged base first): chr6-156778752-G-GGGGCCCCCGGCAGCAT. GRCh37 (hg19) VCF-style: chr6-157099886-G-GGGGCCCCCGGCAGCAT.
Other names: c.1075_1090dup, p.Asp364fs (NM_001374820.1, NM_017519.3, NM_001371656.1); short protein forms D364fs.
Identifiers: ClinVar variation 3642398 (VCV003642398.2).
Genomic context (GRCh38, chr6:156,778,752, plus strand): 5'-CATGGCGGACAACAAAGCCCCGGGATGGGGATGATGCACTCCGCCTCCGCCGCCGCCGCC[G>GGGGCCCCCGGCAGCAT]GGGCCCCCGGCAGCATGGACCCCCTGCAGAACTCCCACGAAGGGTACCCCAACAGCCAGT-3'

ClinVar aggregate classification (germline): Pathogenic (1 of 4 stars; one submission).

Submission:

Labcorp Genetics (formerly Invitae), Labcorp
Classification: Pathogenic. Last evaluated: 2024-02-22. Review status: criteria provided, single submitter. Criteria: Invitae Variant Classification Sherloc (09022015). Collection method: clinical testing. Allele origin: germline.
Comment: This sequence change creates a premature translational stop signal (p.Asp281Glyfs*259) in the ARID1B gene. It is expected to result in an absent or disrupted protein product. Loss-of-function variants in ARID1B are known to be pathogenic (PMID: 25674384, 30349098). This variant is not present in population databases (gnomAD no frequency). This variant has not been reported in the literature in individuals affected with ARID1B-related conditions. For these reasons, this variant has been classified as Pathogenic.

Literature cited by the submitters: PubMed 25674384; PubMed 30349098.